The following is an entry in ClinVar:

NM_006035.4(CDC42BPB):c.3883C>A (p.Leu1295Ile)

Gene: CDC42BPB (CDC42 binding protein kinase beta; minus strand). Cytogenetic location: 14q32.32.
Variant type: single nucleotide variant.
Coding change: c.3883C>A on transcript NM_006035.4 (MANE Select); coding-DNA position 3883, C replaced by A.
Protein change: p.Leu1295Ile; replaces leucine 1295 with isoleucine.
Molecular consequence: missense variant.
Genome position (GRCh38, 1-based): chr14:102,944,416, G>T on the plus strand (C>A on the coding strand, the complement: CDC42BPB is on the minus strand). VCF-style: chr14-102944416-G-T. GRCh37 (hg19) VCF-style: chr14-103410753-G-T.
Other names: c.3805C>A, p.Leu1269Ile (NM_001411054.1); short protein forms L1269I, L1295I.
Identifiers: ClinVar variation 2353808 (VCV002353808.19), dbSNP rs765175299, ClinGen allele CA7360568.

ClinVar aggregate classification (germline): Likely benign. Review status: criteria provided, multiple submitters, no conflicts (2 of 4 stars). 3 submissions from 3 submitters: Likely benign (3). Last evaluated 2025-02-16.

Conditions:
Inborn genetic diseases. Identifiers: MedGen C0950123, MeSH D030342.

Allele frequency attached by ClinVar (database versions not stated): TOPMed 0.00005; gnomAD exomes 0.00007; gnomAD 0.00009; ExAC 0.00013.
gnomAD v4.1: 113 of 1,613,060 alleles (0.007%); highest among the groups gnomAD compares: Middle Eastern, 0.016%; no homozygotes.

Submissions (3):

Laboratory of Genetics, Children's Clinical University Hospital Latvia
Classification: Likely benign. Last evaluated: 2025-02-16. Review status: criteria provided, single submitter. Criteria: ACMG Guidelines, 2015. Collection method: clinical testing. Allele origin: germline. Affected: yes.

CeGaT Center for Human Genetics Tuebingen
Classification: Likely benign. Last evaluated: 2024-08-01. Review status: criteria provided, single submitter. Criteria: CeGaT Center For Human Genetics Tuebingen Variant Classification Criteria Version 2. Collection method: clinical testing. Allele origin: germline. Affected: yes. Observed: 1 variant allele.
Comment: CDC42BPB: BP4

Ambry Genetics
Classification: Likely benign for Inborn genetic diseases. Last evaluated: 2022-11-07. Review status: criteria provided, single submitter. Criteria: Ambry Variant Classification Scheme 2023. Collection method: clinical testing. Allele origin: germline.